The following is an entry in ClinVar:

ClinVar aggregate classification (germline): Uncertain significance (1 of 4 stars; one submission).

Conditions:
Very long chain acyl-CoA dehydrogenase deficiency (ACADVLD). Also called: VLCAD Deficiency; Very Long-Chain Acyl-Coenzyme A Dehydrogenase Deficiency. Identifiers: Orphanet 26793, MedGen C3887523, MONDO:0008723, OMIM 201475.

gnomAD v4.1: 1 of 1,612,880 alleles (0.000062%); highest among the groups gnomAD compares: South Asian, 0.0011%; no homozygotes.

Submission:

Labcorp Genetics (formerly Invitae), Labcorp
Classification: Uncertain significance for Very long chain acyl-CoA dehydrogenase deficiency. Last evaluated: 2021-06-17. Review status: criteria provided, single submitter. Criteria: Invitae Variant Classification Sherloc (09022015). Collection method: clinical testing. Allele origin: germline.
Comment: In summary, the available evidence is currently insufficient to determine the role of this variant in disease. Therefore, it has been classified as a Variant of Uncertain Significance. Algorithms developed to predict the effect of sequence changes on RNA splicing suggest that this variant may create or strengthen a splice site, but this prediction has not been confirmed by published transcriptional studies. Algorithms developed to predict the effect of missense changes on protein structure and function are either unavailable or do not agree on the potential impact of this missense change (SIFT: "Deleterious"; PolyPhen-2: "Possibly Damaging"; Align-GVGD: "Class C15"). This variant has not been reported in the literature in individuals with ACADVL-related conditions. This variant is not present in population databases (ExAC no frequency). This sequence change replaces aspartic acid with glycine at codon 361 of the ACADVL protein (p.Asp361Gly). The aspartic acid residue is highly conserved and there is a moderate physicochemical difference between aspartic acid and glycine.

NM_000018.4(ACADVL):c.1082A>G (p.Asp361Gly)

Gene: ACADVL (acyl-CoA dehydrogenase very long chain; plus strand). Cytogenetic location: 17p13.1.
Variant type: single nucleotide variant.
Coding change: c.1082A>G on transcript NM_000018.4 (MANE Select); coding-DNA position 1082, A replaced by G.
Protein change: p.Asp361Gly; replaces aspartic acid 361 with glycine.
Molecular consequence: missense variant.
Genome position (GRCh38, 1-based): chr17:7,223,137, A>G. VCF-style: chr17-7223137-A-G. GRCh37 (hg19) VCF-style: chr17-7126456-A-G.
Other names: c.1016A>G, p.Asp339Gly (NM_001033859.3); c.1151A>G, p.Asp384Gly (NM_001270447.2); c.854A>G, p.Asp285Gly (NM_001270448.2); short protein forms D339G, D384G, D285G, D361G.
Identifiers: ClinVar variation 1491848 (VCV001491848.8), dbSNP rs1214845060, ClinGen allele CA397724316.